The following is an entry in ClinVar:

NM_005529.7(HSPG2):c.3099_3112del (p.Gln1033fs)

Gene: HSPG2 (heparan sulfate proteoglycan 2; minus strand). Cytogenetic location: 1p36.12.
Variant type: Deletion.
Coding change: c.3099_3112del on transcript NM_005529.7 (MANE Select); coding-DNA positions 3099 to 3112, 14 bases deleted (AGGTAACAACATCA).
Protein change: p.Gln1033fs; shifts the reading frame from glutamine 1033.
Molecular consequence: frameshift variant.
Genome position (GRCh38, 1-based): chr1:21,875,934-21,875,947, TGATGTTGTTACCT deleted on the plus strand (AGGTAACAACATCA on the coding strand, the reverse complement: HSPG2 is on the minus strand); deleting any 14 consecutive bases within chr1:21,875,934-21,875,949 gives the same sequence; the c. name uses the placement nearest the transcript's 3' end. VCF-style (leftmost placement, unchanged base first): chr1-21875933-ATGATGTTGTTACCT-A. GRCh37 (hg19) VCF-style: chr1-22202426-ATGATGTTGTTACCT-A.
Other names: c.3102_3115del, p.Gln1034fs (NM_001291860.2); short protein forms Q1033fs, Q1034fs.
Identifiers: ClinVar variation 2990672 (VCV002990672.3), dbSNP rs1338495481, ClinGen allele CA521901175.

ClinVar aggregate classification (germline): Pathogenic (1 of 4 stars; one submission).

Submission:

Labcorp Genetics (formerly Invitae), Labcorp
Classification: Pathogenic. Last evaluated: 2023-11-27. Review status: criteria provided, single submitter. Criteria: Invitae Variant Classification Sherloc (09022015). Collection method: clinical testing. Allele origin: germline.
Comment: This sequence change creates a premature translational stop signal (p.Gln1033Hisfs*62) in the HSPG2 gene. It is expected to result in an absent or disrupted protein product. Loss-of-function variants in HSPG2 are known to be pathogenic (PMID: 11279527, 16927315, 20542149, 23836246). This variant is present in population databases (no rsID available, gnomAD 0.007%). This variant has not been reported in the literature in individuals affected with HSPG2-related conditions. For these reasons, this variant has been classified as Pathogenic.

Literature cited by the submitters: PubMed 11279527; PubMed 16927315; PubMed 20542149; PubMed 23836246.